The following is an entry in ClinVar:

ClinVar aggregate classification (germline): Uncertain significance (1 of 4 stars; one submission).

Submission:

CeGaT Center for Human Genetics Tuebingen
Classification: Uncertain significance. Last evaluated: 2023-06-01. Review status: criteria provided, single submitter. Criteria: CeGaT Center For Human Genetics Tuebingen Variant Classification Criteria Version 2. Collection method: clinical testing. Allele origin: germline. Affected: yes. Observed: 1 variant allele.
Comment: HTRA2: PM2

NM_013247.5(HTRA2):c.991T>G (p.Phe331Val)

Gene: HTRA2 (HtrA serine peptidase 2; plus strand). Cytogenetic location: 2p13.1.
Variant type: single nucleotide variant.
Coding change: c.991T>G on transcript NM_013247.5 (MANE Select); coding-DNA position 991, T replaced by G.
Protein change: p.Phe331Val; replaces phenylalanine 331 with valine.
Molecular consequence: missense variant. On other transcripts: non-coding transcript variant (4).
Genome position (GRCh38, 1-based): chr2:74,531,648, T>G. VCF-style: chr2-74531648-T-G. GRCh37 (hg19) VCF-style: chr2-74758775-T-G.
Other names: c.1021T>G, p.Phe341Val (NM_001321727.1); c.991T>G, p.Phe331Val (NM_001321728.1); c.796T>G, p.Phe266Val (NM_145074.2); short protein forms F266V, F331V, F341V.
Identifiers: ClinVar variation 2651076 (VCV002651076.24), dbSNP rs2529893525, ClinGen allele CA347381219.